The following is an entry in ClinVar:

NM_004667.6(HERC2):c.2334A>G (p.Ser778=)

Genes: HERC2 (HECT and RLD domain containing E3 ubiquitin protein ligase 2; minus strand), LOC129390675 (MPRA-validated peak2277 silencer; plus strand). Cytogenetic location: 15q13.1.
Variant type: single nucleotide variant.
Coding change: c.2334A>G on transcript NM_004667.6 (MANE Select); coding-DNA position 2334, A replaced by G.
Protein change: p.Ser778=; no amino-acid change (serine 778 retained).
Molecular consequence: synonymous variant.
Genome position (GRCh38, 1-based): chr15:28,257,244, T>C on the plus strand (A>G on the coding strand, the complement: HERC2 is on the minus strand). VCF-style: chr15-28257244-T-C. GRCh37 (hg19) VCF-style: chr15-28502390-T-C.
Identifiers: ClinVar variation 713580 (VCV000713580.29), dbSNP rs61754659, ClinGen allele CA7443223.

ClinVar aggregate classification (germline): Likely benign. Review status: criteria provided, multiple submitters, no conflicts (2 of 4 stars). 3 submissions from 3 submitters: Likely benign (3). Last evaluated 2024-07-01.

Allele frequency attached by ClinVar (database versions not stated): ExAC 0.00022; gnomAD exomes 0.00025 and 0.00056; gnomAD 0.00037 and 0.00041; TOPMed 0.00037; ESP Exome Variant Server 0.00054; 1000 Genomes Project 30x 0.00016; 1000 Genomes Project 0.00020.
gnomAD v4.1: 868 of 1,613,786 alleles (0.054%); highest among the groups gnomAD compares: Non-Finnish European, 0.068%; 1 homozygote.

Submissions (3):

CeGaT Center for Human Genetics Tuebingen
Classification: Likely benign. Last evaluated: 2024-07-01. Review status: criteria provided, single submitter. Criteria: CeGaT Center For Human Genetics Tuebingen Variant Classification Criteria Version 2. Collection method: clinical testing. Allele origin: germline. Affected: yes. Observed: 2 variant alleles.
Comment: HERC2: BP4, BP7

Blueprint Genetics
Classification: Likely benign. Last evaluated: 2024-05-15. Review status: criteria provided, single submitter. Criteria: ACMG Guidelines, 2015. Collection method: clinical testing. Allele origin: germline.

Labcorp Genetics (formerly Invitae), Labcorp
Classification: Likely benign. Last evaluated: 2019-12-31. Review status: criteria provided, single submitter. Criteria: Invitae Variant Classification Sherloc (09022015). Collection method: clinical testing. Allele origin: germline.